The following is an entry in ClinVar:

ClinVar aggregate classification (germline): Pathogenic. Review status: criteria provided, multiple submitters, no conflicts (2 of 4 stars). 2 submissions from 2 submitters: Pathogenic (2). Last evaluated 2024-12-09.

Conditions:
Multiple endocrine neoplasia, type 1 (MEN1). Also called: WERMER SYNDROME; Endocrine adenomatosis multiple; MEN 1; MEN I; MEA I. Identifiers: Orphanet 652, MedGen C0025267, MeSH D018761, MONDO:0007540, OMIM 131100.
Hereditary cancer-predisposing syndrome. Also called: Hereditary Cancer Syndrome; Tumor predisposition; Neoplastic Syndromes, Hereditary; Hereditary neoplastic syndrome. Identifiers: Orphanet 140162, MedGen C0027672, MeSH D009386, MONDO:0015356.

Submissions (2):

Myriad Genetics, Inc.
Classification: Pathogenic for Multiple endocrine neoplasia, type 1. Last evaluated: 2024-12-09. Review status: criteria provided, single submitter. Criteria: Myriad Autosomal Dominant, Autosomal Recessive and X-Linked Classification Criteria (2023). Collection method: clinical testing. Allele origin: unknown.
Comment: This variant is considered pathogenic. This variant creates a termination codon and is predicted to result in premature protein truncation.

Ambry Genetics
Classification: Pathogenic for Hereditary cancer-predisposing syndrome. Last evaluated: 2024-01-26. Review status: criteria provided, single submitter. Criteria: Ambry Variant Classification Scheme 2023. Collection method: clinical testing. Allele origin: germline.
Comment: The p.Y133* pathogenic mutation (also known as c.399C>A), located in coding exon 1 of the MEN1 gene, results from a C to A substitution at nucleotide position 399. This changes the amino acid from a tyrosine to a stop codon within coding exon 1. This variant has been observed in multiple individuals who met clinical criteria for multiple endocrine neoplasia type 1 (MEN1) (Wautot V et al. Hum Mutat, 2002 Jul;20:35-47; Ambry internal data). This variant is considered to be rare based on population cohorts in the Genome Aggregation Database (gnomAD). In addition to the clinical data presented in the literature, this alteration is expected to result in loss of function by premature protein truncation or nonsense-mediated mRNA decay. As such, this alteration is interpreted as a disease-causing mutation.

Literature cited by the submitters: PubMed 12112656 (cited by Ambry Genetics).

NM_001370259.2(MEN1):c.399C>A (p.Tyr133Ter)

Gene: MEN1 (menin 1; minus strand). Cytogenetic location: 11q13.1.
Variant type: single nucleotide variant.
Coding change: c.399C>A on transcript NM_001370259.2 (MANE Select); coding-DNA position 399, C replaced by A.
Protein change: p.Tyr133Ter; replaces tyrosine 133 with a stop codon.
Molecular consequence: nonsense. On other transcripts: non-coding transcript variant (4).
Genome position (GRCh38, 1-based): chr11:64,809,711, G>T on the plus strand (C>A on the coding strand, the complement: MEN1 is on the minus strand). VCF-style: chr11-64809711-G-T. GRCh37 (hg19) VCF-style: chr11-64577183-G-T.
Other names: c.399C>A, p.Tyr133Ter (NM_000244.4, NM_001370251.2, NM_001370260.2 and 20 more transcripts); short protein forms Y133*.
Identifiers: ClinVar variation 3229097 (VCV003229097.2), dbSNP rs1592657892, ClinGen allele CA381187241.